The following is an entry in ClinVar:

ClinVar aggregate classification (germline): Pathogenic/Likely pathogenic. Review status: criteria provided, multiple submitters, no conflicts (2 of 4 stars). 7 submissions from 7 submitters: Pathogenic (6); Likely pathogenic (1). Last evaluated 2026-01-26.

Conditions:
Hereditary cancer-predisposing syndrome. Also called: Tumor predisposition; Hereditary neoplastic syndrome; Neoplastic Syndromes, Hereditary; Hereditary Cancer Syndrome. Identifiers: Orphanet 140162, MedGen C0027672, MeSH D009386, MONDO:0015356.
Hereditary breast ovarian cancer syndrome. Also called: Hereditary breast and ovarian cancer; Breast and ovarian cancer; BRCA1- and BRCA2-Associated Hereditary Breast and Ovarian Cancer; Hereditary breast and ovarian cancer syndrome; Hereditary breast and ovarian cancer syndrome (HBOC); Hereditary breast and/or ovarian cancer syndrome. Identifiers: Orphanet 145, MedGen C0677776, MeSH D061325, MONDO:0003582. Disease mechanism: loss of function.
Fanconi anemia complementation group N. Also called: PALB2-Related Fanconi Anemia. Identifiers: Orphanet 84, MedGen C1835817, MONDO:0012565, OMIM 610832. Disease mechanism: loss of function.
Familial cancer of breast. Also called: BREAST CANCER, FAMILIAL; hereditary breast carcinoma; Hereditary breast cancer. Identifiers: Orphanet 227535, MedGen C0346153, MONDO:0016419, OMIM 114480. Disease mechanism: loss of function.

Submissions (7):

Ambry Genetics
Classification: Pathogenic for Hereditary cancer-predisposing syndrome. Last evaluated: 2026-01-26. Review status: criteria provided, single submitter. Criteria: Ambry Variant Classification Scheme 2023. Collection method: clinical testing. Allele origin: germline.
Comment: The c.3004_3007delGAAA (p.E1002Tfs*4) alteration, located in exon 10 (coding exon 10) of the PALB2 gene, consists of a deletion of 4 nucleotides from position 3004 to 3007, causing a translational frameshift with a predicted alternate stop codon after 4 amino acids. This alteration is expected to result in loss of function by premature protein truncation or nonsense-mediated mRNA decay. This variant was not reported in population-based cohorts in the Genome Aggregation Database (gnomAD). Based on the available evidence, this alteration is classified as pathogenic.

Labcorp Genetics (formerly Invitae), Labcorp
Classification: Pathogenic for Familial cancer of breast. Last evaluated: 2025-12-02. Review status: criteria provided, single submitter. Criteria: Invitae Variant Classification Sherloc (09022015). Collection method: clinical testing. Allele origin: germline.
Comment: This sequence change creates a premature translational stop signal (p.Glu1002Thrfs*4) in the PALB2 gene. It is expected to result in an absent or disrupted protein product. Loss-of-function variants in PALB2 are known to be pathogenic (PMID: 17200668, 17200671, 17200672, 24136930, 25099575). This variant is not present in population databases (gnomAD no frequency). This premature translational stop signal has been observed in individual(s) with prostate cancer (PMID: 26485759). This variant is also known as p.E1002Tfs*4. ClinVar contains an entry for this variant (Variation ID: 187120). For these reasons, this variant has been classified as Pathogenic.

Women's Health and Genetics/Laboratory Corporation of America, LabCorp
Classification: Pathogenic for Hereditary breast ovarian cancer syndrome. Last evaluated: 2024-09-05. Review status: criteria provided, single submitter. Criteria: LabCorp Variant Classification Summary - May 2015. Collection method: clinical testing. Allele origin: germline.
Comment: Variant summary: PALB2 c.3004_3007delGAAA (p.Glu1002ThrfsX4) results in a premature termination codon, predicted to cause a truncation of the encoded protein or absence of the protein due to nonsense mediated decay, which are commonly known mechanisms for disease. The variant was absent in 251436 control chromosomes (gnomAD). c.3004_3007delGAAA has been reported in the literature in individuals affected with breast-, ovarian- and prostate cancer (e.g. Yang_2020, Ruan_2023). These data indicate that the variant is likely associated with disease. To our knowledge, no experimental evidence demonstrating an impact on protein function has been reported. The following publications have been ascertained in the context of this evaluation (PMID: 31841383, 37415201). ClinVar contains an entry for this variant (Variation ID: 187120). Based on the evidence outlined above, the variant was classified as pathogenic.

Myriad Genetics, Inc.
Classification: Pathogenic for Familial cancer of breast. Last evaluated: 2023-09-14. Review status: criteria provided, single submitter. Criteria: Myriad Autosomal Dominant, Autosomal Recessive and X-Linked Classification Criteria (2023). Collection method: clinical testing. Allele origin: unknown.
Comment: This variant is considered pathogenic. This variant creates a frameshift predicted to result in premature protein truncation.

Baylor Genetics
Classification: Pathogenic for Familial cancer of breast. Last evaluated: 2022-12-07. Review status: criteria provided, single submitter. Criteria: ACMG Guidelines, 2015. Collection method: clinical testing. Allele origin: unknown.

Color Diagnostics, LLC DBA Color Health
Classification: Pathogenic for Hereditary cancer-predisposing syndrome. Last evaluated: 2021-03-12. Review status: criteria provided, single submitter. Criteria: ACMG Guidelines, 2015. Collection method: clinical testing. Allele origin: germline.
Comment: This variant deletes 4 nucleotides in exon 10 of the PALB2 gene, creating a frameshift and premature translation stop signal. This variant is expected to result in an absent or non-functional protein product. To our knowledge, this variant has been reported in an individual affected with prostate cancer (PMID: 26485759). This variant has not been identified in the general population by the Genome Aggregation Database (gnomAD). Loss of PALB2 function is a known mechanism of disease. Based on the available evidence, this variant is classified as Pathogenic.

Laboratorio de Genetica e Diagnostico Molecular, Hospital Israelita Albert Einstein
Classification: Likely pathogenic for Fanconi anemia complementation group N. Last evaluated: 2021-02-22. Review status: criteria provided, single submitter. Criteria: ACMG Guidelines, 2015. Collection method: clinical testing. Allele origin: germline. Affected: yes.
Comment: ACMG classification criteria: PVS1 very strong, PM2 moderate

Literature cited by the submitters: PubMed 17200668 (cited by Labcorp Genetics (formerly Invitae), Labcorp); PubMed 17200671 (cited by Labcorp Genetics (formerly Invitae), Labcorp); PubMed 17200672 (cited by Labcorp Genetics (formerly Invitae), Labcorp); PubMed 24136930 (cited by Labcorp Genetics (formerly Invitae), Labcorp); PubMed 25099575 (cited by Labcorp Genetics (formerly Invitae), Labcorp); PubMed 26485759 (cited by Labcorp Genetics (formerly Invitae), Labcorp); PubMed 31841383 (cited by Women's Health and Genetics/Laboratory Corporation of America, LabCorp); PubMed 37415201 (cited by Women's Health and Genetics/Laboratory Corporation of America, LabCorp).

NM_024675.4(PALB2):c.3004_3007del (p.Glu1002fs)

Gene: PALB2 (partner and localizer of BRCA2; minus strand). Cytogenetic location: 16p12.2.
Variant type: Deletion.
Coding change: c.3004_3007del on transcript NM_024675.4 (MANE Select); coding-DNA positions 3004 to 3007, 4 bases deleted (GAAA; older notation c.3004_3007delGAAA).
Protein change: p.Glu1002fs; shifts the reading frame from glutamic acid 1002.
Molecular consequence: frameshift variant.
Genome position (GRCh38, 1-based): chr16:23,621,468-23,621,471, TTTC deleted on the plus strand (GAAA on the coding strand, the reverse complement: PALB2 is on the minus strand); deleting any 4 consecutive bases within chr16:23,621,468-23,621,474 gives the same sequence; the c. name uses the placement nearest the transcript's 3' end. VCF-style (leftmost placement, unchanged base first): chr16-23621467-TTTTC-T. GRCh37 (hg19) VCF-style: chr16-23632788-TTTTC-T.
Other names: c.3004_3007delGAAA (NM_024675.4, NM_024675.3); short protein forms E1002fs.
Identifiers: ClinVar variation 187120 (VCV000187120.24), dbSNP rs786203488, ClinGen allele CA196785.